The following is an entry in ClinVar:

ClinVar aggregate classification (germline): Conflicting classifications of pathogenicity. Review status: criteria provided, conflicting classifications (1 of 4 stars). 6 submissions from 6 submitters: Pathogenic (1); Likely pathogenic (2); Uncertain significance (1). 2 of the submissions do not count toward it. Last evaluated 2026-04-29.

Conditions:
Primary hyperoxaluria, type I (HP1). Also called: GLYCOLIC ACIDURIA; HEPATIC AGT DEFICIENCY; OXALOSIS I; Primary hyperoxaluria type 1. Identifiers: Orphanet 416, Orphanet 93598, MedGen C0268164, MONDO:0009823, OMIM 259900. Disease mechanism: loss of function.

Allele frequency attached by ClinVar (database versions not stated): gnomAD 0.00001.
gnomAD v4.1: 4 of 1,612,874 alleles (0.00025%); highest among the groups gnomAD compares: Non-Finnish European, 0.00034%; no homozygotes.

Submissions (6):

Myriad Genetics, Inc.
Classification: Uncertain significance for Primary hyperoxaluria, type I. Last evaluated: 2026-04-29. Review status: criteria provided, single submitter. Criteria: Myriad Autosomal Dominant, Autosomal Recessive and X-Linked Classification Criteria (2023). Collection method: clinical testing. Allele origin: unknown.
Comment: NM_000030.2(AGXT):c.122G>T(G41V) is a missense variant classified as a variant of uncertain significance in the context of primary hyperoxaluria type 1. G41V has been observed in a case with relevant disease (PMID: 10453743). Relevant functional assessments of this variant are not available in the literature. Internal structural analysis of the variant is supportive of pathogenicity. G41V has not been observed in referenced population frequency databases. In summary, there is insufficient evidence to classify NM_000030.2(AGXT):c.122G>T(G41V) as pathogenic or benign. Please note: this variant was assessed in the context of healthy population screening.

Natera, Inc.
Classification: Likely pathogenic for Primary hyperoxaluria type I. Last evaluated: 2025-04-17. Review status: criteria provided, single submitter. Criteria: Natera Variant Classification Schema (03/2026). Collection method: clinical testing. Allele origin: germline.
Comment: The c.122G>T variant in AGXT is a missense variant predicted to cause substitution of glycine to valine at amino acid 41. This variant is rare in the general population with a frequency below the threshold expected for the associated phenotype(s). This variant has been observed in one or more individuals affected with the associated recessive disease, as either homozygous or compound heterozygous with a second variant (PMID: 10453743). A different variant at the same position has been determined to be Pathogenic or Likely Pathogenic. Computational prediction algorithms indicate this variant is likely to affect gene or protein function. Given the available evidence, this variant is classified as Likely Pathogenic.

Baylor Genetics
Classification: Likely pathogenic for Primary hyperoxaluria, type I. Last evaluated: 2024-03-24. Review status: criteria provided, single submitter. Criteria: ACMG Guidelines, 2015. Collection method: clinical testing. Allele origin: unknown.

Labcorp Genetics (formerly Invitae), Labcorp
Classification: Pathogenic. Last evaluated: 2021-12-18. Review status: criteria provided, single submitter. Criteria: Invitae Variant Classification Sherloc (09022015). Collection method: clinical testing. Allele origin: germline.
Comment: This sequence change replaces glycine, which is neutral and non-polar, with valine, which is neutral and non-polar, at codon 41 of the AGXT protein (p.Gly41Val). This variant is not present in population databases (gnomAD no frequency). This missense change has been observed in individual(s) with hyperoxaluria (PMID: 10453743). ClinVar contains an entry for this variant (Variation ID: 188985). Advanced modeling of protein sequence and biophysical properties (such as structural, functional, and spatial information, amino acid conservation, physicochemical variation, residue mobility, and thermodynamic stability) performed at Invitae indicates that this missense variant is expected to disrupt AGXT protein function. Experimental studies have shown that this missense change affects AGXT function (PMID: 15802217, 16971151, 18448374, 20133649, 21176891). This variant disrupts the p.Gly41 amino acid residue in AGXT. Other variant(s) that disrupt this residue have been determined to be pathogenic (PMID: 8101040, 15802217, 20133649, 23229545). This suggests that this residue is clinically significant, and that variants that disrupt this residue are likely to be disease-causing. For these reasons, this variant has been classified as Pathogenic.

Clinical Biochemistry Laboratory, Health Services Laboratory
Classification: Pathogenic for Primary hyperoxaluria, type I. Last evaluated: 2014-11-27. Review status: no assertion criteria provided. Collection method: in vitro. Allele origin: germline. Affected: yes. Not counted in ClinVar's aggregate classification.

Counsyl
Classification: Likely pathogenic for Primary hyperoxaluria, type I. Last evaluated: 2014-09-26. Review status: no assertion criteria provided. Collection method: literature only. Allele origin: unknown. Inheritance: Autosomal recessive inheritance. Not counted in ClinVar's aggregate classification.

Literature cited by the submitters: PubMed 10453743 (cited by 5 submitters); PubMed 15802217 (cited by Labcorp Genetics (formerly Invitae), Labcorp and Counsyl); PubMed 16971151 (cited by 3 submitters); PubMed 18448374 (cited by Labcorp Genetics (formerly Invitae), Labcorp and Counsyl); PubMed 20133649 (cited by Labcorp Genetics (formerly Invitae), Labcorp and Counsyl); PubMed 21176891 (cited by Labcorp Genetics (formerly Invitae), Labcorp); PubMed 8101040 (cited by Labcorp Genetics (formerly Invitae), Labcorp); PubMed 23229545 (cited by Labcorp Genetics (formerly Invitae), Labcorp); PubMed 18282470 (cited by Counsyl); PubMed 12899834 (cited by Counsyl); PubMed 10394939 (cited by Counsyl).

NM_000030.3(AGXT):c.122G>T (p.Gly41Val)

Gene: AGXT (alanine--glyoxylate aminotransferase; plus strand). Cytogenetic location: 2q37.3.
Variant type: single nucleotide variant.
Coding change: c.122G>T on transcript NM_000030.3 (MANE Select); coding-DNA position 122, G replaced by T.
Protein change: p.Gly41Val; replaces glycine 41 with valine.
Molecular consequence: missense variant.
Genome position (GRCh38, 1-based): chr2:240,868,987, G>T. VCF-style: chr2-240868987-G-T. GRCh37 (hg19) VCF-style: chr2-241808404-G-T.
Other names: short protein forms G41V.
Identifiers: ClinVar variation 188985 (VCV000188985.14), dbSNP rs180177168, ClinGen allele CA274216.